The following is an entry in ClinVar:

NM_020810.3(TRMT5):c.667+4C>G

Gene: TRMT5 (tRNA methyltransferase 5; minus strand). Cytogenetic location: 14q23.1.
Variant type: single nucleotide variant.
Coding change: c.667+4C>G on transcript NM_020810.3 (MANE Select); 4 bases into the intron after coding-DNA position 667, C replaced by G.
Molecular consequence: intron variant.
Genome position (GRCh38, 1-based): chr14:60,979,227, G>C on the plus strand (C>G on the coding strand, the complement: TRMT5 is on the minus strand). VCF-style: chr14-60979227-G-C. GRCh37 (hg19) VCF-style: chr14-61445945-G-C.
Other names: c.751+4C>G (NM_001350253.1); c.748+4C>G (NM_001350254.1).
Identifiers: ClinVar variation 779445 (VCV000779445.37), dbSNP rs144025340, ClinGen allele CA7213874.

ClinVar aggregate classification (germline): Benign/Likely benign. Review status: criteria provided, multiple submitters, no conflicts (2 of 4 stars). 5 submissions from 5 submitters: Benign (2); Likely benign (2). 1 of the submissions does not count toward it. Last evaluated 2026-08-01.

Conditions:
TRMT5-related disorder. Also called: TRMT5-related condition.

Allele frequency attached by ClinVar (database versions not stated): 1000 Genomes Project 30x 0.00437; TOPMed 0.00492; 1000 Genomes Project 0.00499; ESP Exome Variant Server 0.00584.
gnomAD v4.1: 10,039 of 1,592,878 alleles (0.63%); highest among the groups gnomAD compares: Middle Eastern, 0.84%; 52 homozygotes.

Submissions (18):

CeGaT Center for Human Genetics Tuebingen
Classification: Likely benign. Last evaluated: 2026-08-01. Review status: criteria provided, single submitter. Criteria: CeGaT Center For Human Genetics Tuebingen Variant Classification Criteria Version 2. Collection method: clinical testing. Allele origin: germline. Affected: yes. Observed: 35 variant alleles.
Comment: TRMT5: BS2

Labcorp Genetics (formerly Invitae), Labcorp
Classification: Benign. Last evaluated: 2026-02-01. Review status: criteria provided, single submitter. Criteria: Invitae Variant Classification Sherloc (09022015). Collection method: clinical testing. Allele origin: germline.

Genomic Medicine Center of Excellence, King Faisal Specialist Hospital and Research Centre
Classification: Likely benign. Last evaluated: 2025-08-18. Review status: criteria provided, single submitter. Criteria: ACMG Guidelines, 2015. Collection method: clinical testing. Allele origin: germline.

Breakthrough Genomics
Classification: Benign. Review status: criteria provided, single submitter. Criteria: ACMG Guidelines, 2015. Collection method: not provided. Allele origin: germline. Inheritance: Autosomal recessive inheritance. Affected: yes.

PreventionGenetics, part of Exact Sciences
Classification: Benign for TRMT5-related condition. Last evaluated: 2019-06-21. Review status: no assertion criteria provided. Collection method: clinical testing. Allele origin: germline. Not counted in ClinVar's aggregate classification.
Comment: This variant is classified as benign based on ACMG/AMP sequence variant interpretation guidelines (Richards et al. 2015 PMID: 25741868, with internal and published modifications).

Dr. Peter K. Rogan Lab, Western University
No classification provided (evidence only). Condition: Melanoma. Review status: no classification provided. Collection method: in vitro. Allele origin: not applicable. Functional consequence: skipped exon. Not counted in ClinVar's aggregate classification.

Dr. Peter K. Rogan Lab, Western University
No classification provided (evidence only). Condition: Familial cancer of breast. Review status: no classification provided. Collection method: in vitro. Allele origin: not applicable. Functional consequence: retained intron. Not counted in ClinVar's aggregate classification.

Dr. Peter K. Rogan Lab, Western University
No classification provided (evidence only). Condition: Familial cancer of breast. Review status: no classification provided. Collection method: in vitro. Allele origin: not applicable. Functional consequence: skipped exon. Not counted in ClinVar's aggregate classification.

Dr. Peter K. Rogan Lab, Western University
No classification provided (evidence only). Condition: Familial cancer of breast. Review status: no classification provided. Collection method: in vitro. Allele origin: not applicable. Functional consequence: skipped exon. Not counted in ClinVar's aggregate classification.

Dr. Peter K. Rogan Lab, Western University
No classification provided (evidence only). Condition: Familial cancer of breast. Review status: no classification provided. Collection method: in vitro. Allele origin: not applicable. Functional consequence: retained intron. Not counted in ClinVar's aggregate classification.

Dr. Peter K. Rogan Lab, Western University
No classification provided (evidence only). Condition: Familial cancer of breast. Review status: no classification provided. Collection method: in vitro. Allele origin: not applicable. Functional consequence: retained intron. Not counted in ClinVar's aggregate classification.

Dr. Peter K. Rogan Lab, Western University
No classification provided (evidence only). Condition: Acute myeloid leukemia. Review status: no classification provided. Collection method: in vitro. Allele origin: not applicable. Functional consequence: retained intron. Not counted in ClinVar's aggregate classification.

Dr. Peter K. Rogan Lab, Western University
No classification provided (evidence only). Condition: Acute myeloid leukemia. Review status: no classification provided. Collection method: in vitro. Allele origin: not applicable. Functional consequence: retained intron. Not counted in ClinVar's aggregate classification.

Dr. Peter K. Rogan Lab, Western University
No classification provided (evidence only). Condition: Colon adenocarcinoma. Review status: no classification provided. Collection method: in vitro. Allele origin: not applicable. Functional consequence: retained intron. Not counted in ClinVar's aggregate classification.

Dr. Peter K. Rogan Lab, Western University
No classification provided (evidence only). Condition: Malignant lymphoma, large B-cell, diffuse. Review status: no classification provided. Collection method: in vitro. Allele origin: not applicable. Functional consequence: retained intron. Not counted in ClinVar's aggregate classification.

Dr. Peter K. Rogan Lab, Western University
No classification provided (evidence only). Condition: Thymoma. Review status: no classification provided. Collection method: in vitro. Allele origin: not applicable. Functional consequence: retained intron. Not counted in ClinVar's aggregate classification.

Dr. Peter K. Rogan Lab, Western University
No classification provided (evidence only). Condition: Malignant tumor of esophagus. Review status: no classification provided. Collection method: in vitro. Allele origin: not applicable. Functional consequence: skipped exon. Not counted in ClinVar's aggregate classification.

Dr. Peter K. Rogan Lab, Western University
No classification provided (evidence only). Condition: Lymphoma. Review status: no classification provided. Collection method: in vitro. Allele origin: not applicable. Functional consequence: retained intron. Not counted in ClinVar's aggregate classification.